The following is an entry in ClinVar:

NM_031935.3(HMCN1):c.16265G>C (p.Gly5422Ala)

Gene: HMCN1 (hemicentin 1; plus strand). Cytogenetic location: 1q31.1.
Variant type: single nucleotide variant.
Coding change: c.16265G>C on transcript NM_031935.3 (MANE Select); coding-DNA position 16265, G replaced by C.
Protein change: p.Gly5422Ala; replaces glycine 5422 with alanine.
Molecular consequence: missense variant.
Genome position (GRCh38, 1-based): chr1:186,178,737, G>C. VCF-style: chr1-186178737-G-C. GRCh37 (hg19) VCF-style: chr1-186147869-G-C.
Other names: short protein forms G5422A.
Identifiers: ClinVar variation 2116339 (VCV002116339.4), dbSNP rs764900660, ClinGen allele CA343939236.

ClinVar aggregate classification (germline): Uncertain significance (1 of 4 stars; one submission).

Submission:

Labcorp Genetics (formerly Invitae), Labcorp
Classification: Uncertain significance. Last evaluated: 2023-04-24. Review status: criteria provided, single submitter. Criteria: Invitae Variant Classification Sherloc (09022015). Collection method: clinical testing. Allele origin: germline.
Comment: In summary, the available evidence is currently insufficient to determine the role of this variant in disease. Therefore, it has been classified as a Variant of Uncertain Significance. An algorithm developed to predict the effect of missense changes on protein structure and function (PolyPhen-2) suggests that this variant is likely to be disruptive. ClinVar contains an entry for this variant (Variation ID: 2116339). This variant has not been reported in the literature in individuals affected with HMCN1-related conditions. This variant is not present in population databases (gnomAD no frequency). This sequence change replaces glycine, which is neutral and non-polar, with alanine, which is neutral and non-polar, at codon 5422 of the HMCN1 protein (p.Gly5422Ala).